The following is an entry in ClinVar:

ClinVar aggregate classification (germline): Benign/Likely benign. Review status: criteria provided, multiple submitters, no conflicts (2 of 4 stars). 2 submissions from 2 submitters: Benign (1); Likely benign (1). Last evaluated 2026-03-01.

Allele frequency attached by ClinVar (database versions not stated): gnomAD 0.00003; gnomAD exomes 0.00006 and 0.00028; TOPMed 0.00012; ExAC 0.00027.
gnomAD v4.1: 83 of 1,612,852 alleles (0.0051%); highest among the groups gnomAD compares: Admixed American, 0.14%; no homozygotes.

Submissions (2):

CeGaT Center for Human Genetics Tuebingen
Classification: Likely benign. Last evaluated: 2026-03-01. Review status: criteria provided, single submitter. Criteria: CeGaT Center For Human Genetics Tuebingen Variant Classification Criteria Version 2. Collection method: clinical testing. Allele origin: germline. Affected: yes. Observed: 1 variant allele.
Comment: TNIK: BP4, BP7

Labcorp Genetics (formerly Invitae), Labcorp
Classification: Benign. Last evaluated: 2019-12-31. Review status: criteria provided, single submitter. Criteria: Invitae Variant Classification Sherloc (09022015). Collection method: clinical testing. Allele origin: germline.

NM_015028.4(TNIK):c.2559G>A (p.Gly853=)

Gene: TNIK (TRAF2 and NCK interacting kinase; minus strand). Cytogenetic location: 3q26.2.
Variant type: single nucleotide variant.
Coding change: c.2559G>A on transcript NM_015028.4 (MANE Select); coding-DNA position 2559, G replaced by A.
Protein change: p.Gly853=; no amino-acid change (glycine 853 retained).
Molecular consequence: synonymous variant.
Genome position (GRCh38, 1-based): chr3:171,101,481, C>T on the plus strand (G>A on the coding strand, the complement: TNIK is on the minus strand). VCF-style: chr3-171101481-C-T. GRCh37 (hg19) VCF-style: chr3-170819270-C-T.
Other names: c.2535G>A, p.Gly845= (NM_001161560.3); c.2472G>A, p.Gly824= (NM_001161561.3); c.2448G>A, p.Gly816= (NM_001161562.3); c.2394G>A, p.Gly798= (NM_001161563.3); c.2370G>A, p.Gly790= (NM_001161564.3); c.2307G>A, p.Gly769= (NM_001161565.3); c.2283G>A, p.Gly761= (NM_001161566.3).
Identifiers: ClinVar variation 747501 (VCV000747501.8), dbSNP rs779370298, ClinGen allele CA2703174.